The following is an entry in ClinVar:

NM_001378477.3(NYX):c.1202C>T (p.Ala401Val)

Gene: NYX (nyctalopin; plus strand). Cytogenetic location: Xp11.4.
Variant type: single nucleotide variant.
Coding change: c.1202C>T on transcript NM_001378477.3 (MANE Select); coding-DNA position 1202, C replaced by T.
Protein change: p.Ala401Val; replaces alanine 401 with valine.
Molecular consequence: missense variant.
Genome position (GRCh38, 1-based): chrX:41,474,670, C>T. VCF-style: chrX-41474670-C-T. GRCh37 (hg19) VCF-style: chrX-41333923-C-T.
Other names: c.1202C>T, p.Ala401Val (NM_022567.3); short protein forms A401V.
Identifiers: ClinVar variation 1019168 (VCV001019168.6), dbSNP rs34169326, ClinGen allele CA10389921.
Genomic context (GRCh38, chrX:41,474,670, plus strand): 5'-GTGTGGACCCCGAGGAGCTGAACCTCACCACGTCCAGTCCAGGCCCGTCCCCAGAACCAG[C>T]GGCCACCACCGTGAGCAGGTTCAGCAGCCTCCTCTCCAAGCTGCTGGCCCCGAGGGTCCC-3'
Protein context (NP_001365406.2, residues 391-411): TSSPGPSPEP[Ala401Val]ATTVSRFSSL

ClinVar aggregate classification (germline): Uncertain significance (1 of 4 stars; one submission).

Submission:

Labcorp Genetics (formerly Invitae), Labcorp
Classification: Uncertain significance. Last evaluated: 2021-10-09. Review status: criteria provided, single submitter. Criteria: Invitae Variant Classification Sherloc (09022015). Collection method: clinical testing. Allele origin: germline.
Comment: This sequence change replaces alanine with valine at codon 406 of the NYX protein (p.Ala406Val). The alanine residue is weakly conserved and there is a small physicochemical difference between alanine and valine. This variant is present in population databases (rs34169326, ExAC 0.03%). This variant has not been reported in the literature in individuals affected with NYX-related conditions. Algorithms developed to predict the effect of missense changes on protein structure and function output the following: SIFT: "Tolerated"; PolyPhen-2: "Benign"; Align-GVGD: "Class C0". The valine amino acid residue is found in multiple mammalian species, which suggests that this missense change does not adversely affect protein function. In summary, the available evidence is currently insufficient to determine the role of this variant in disease. Therefore, it has been classified as a Variant of Uncertain Significance.